The following is an entry in ClinVar:

NM_024513.4(FYCO1):c.3587+1G>T

Gene: FYCO1 (FYVE and coiled-coil domain autophagy adaptor 1; minus strand). Cytogenetic location: 3p21.31.
Variant type: single nucleotide variant.
Coding change: c.3587+1G>T on transcript NM_024513.4 (MANE Select); the canonical splice donor site of the intron after coding-DNA position 3587, G replaced by T.
Molecular consequence: splice donor variant.
Genome position (GRCh38, 1-based): chr3:45,959,392, C>A on the plus strand (G>T on the coding strand, the complement: FYCO1 is on the minus strand). VCF-style: chr3-45959392-C-A. GRCh37 (hg19) VCF-style: chr3-46000884-C-A.
Other names: c.2987+1G>T (NM_001386430.1); c.3467+1G>T (NM_001386426.1); c.3443+1G>T (NM_001386427.1); c.3587+1G>T (NM_001386423.1, NM_001386429.1, NM_001386425.1 and 4 more transcripts).
Identifiers: ClinVar variation 5006620 (VCV005006620.2).
Genomic context (GRCh38, chr3:45,959,392, plus strand): 5'-GTCTGCTCTGGTCCTGGGCCCCACCAGGGTGTTGGTGCCAACCCACGAGCTCCCTGCTGA[C>A]CTGCAGTGGTGCCGCCGCACCATCCAGCTGAACTCCCGCTTACAGTCGAGGCAGTGGTTT-3'

ClinVar aggregate classification (germline): Likely pathogenic (1 of 4 stars; one submission).

Conditions:
Cataract 18 (CATC2). Also called: CATARACT 18, AUTOSOMAL RECESSIVE. Identifiers: Orphanet 91492, Orphanet 98991, Orphanet 98992, Orphanet 98995, MedGen C1864908, MONDO:0012395, OMIM 610019.

gnomAD v4.1: 13 of 1,613,840 alleles (0.00081%); highest among the groups gnomAD compares: African/African-American, 0.0027%; no homozygotes.

Submission:

Juno Genomics, Hangzhou Juno Genomics, Inc
Classification: Likely pathogenic for Cataract 18. Review status: criteria provided, single submitter. Criteria: ACMG Guidelines, 2015. Collection method: clinical testing. Allele origin: germline.
Comment: Absent from controls (or at extremely low frequency if recessive) in Genome Aggregation Database.;Null variant in a gene where loss of function (LOF) is a known mechanism of disease.;For recessive disorders, detected in trans with a pathogenic variant.;Patient's phenotype or family history is highly specific for a disease with a single genetic etiology.